The following is an entry in ClinVar:

NM_002458.3(MUC5B):c.6468T>A (p.Thr2156=)

Genes: MUC5B (mucin 5B, oligomeric mucus/gel-forming; plus strand), MUC5B-AS1 (MUC5B antisense RNA 1; minus strand). Cytogenetic location: 11p15.5.
Variant type: single nucleotide variant.
Coding change: c.6468T>A on transcript NM_002458.3 (MANE Select); coding-DNA position 6468, T replaced by A.
Protein change: p.Thr2156=; no amino-acid change (threonine 2156 retained).
Molecular consequence: synonymous variant.
Genome position (GRCh38, 1-based): chr11:1,243,348, T>A. VCF-style: chr11-1243348-T-A. GRCh37 (hg19) VCF-style: chr11-1264578-T-A.
Identifiers: ClinVar variation 4084572 (VCV004084572.8).

ClinVar aggregate classification (germline): Likely benign (1 of 4 stars; one submission).

Submission:

CeGaT Center for Human Genetics Tuebingen
Classification: Likely benign. Last evaluated: 2025-07-01. Review status: criteria provided, single submitter. Criteria: CeGaT Center For Human Genetics Tuebingen Variant Classification Criteria Version 2. Collection method: clinical testing. Allele origin: germline. Affected: yes. Observed: 1 variant allele.
Comment: MUC5B: BP4, BP7